The following is an entry in ClinVar:

ClinVar aggregate classification (germline): Conflicting classifications of pathogenicity. Review status: criteria provided, conflicting classifications (1 of 4 stars). 4 submissions from 4 submitters: Uncertain significance (1); Likely benign (3). Last evaluated 2025-03-04.

Conditions:
Juvenile polyposis syndrome (JPS). Identifiers: Orphanet 2929, MedGen C0345893, MONDO:0017380, OMIM 174900.
Hereditary cancer-predisposing syndrome. Also called: Hereditary neoplastic syndrome; Tumor predisposition; Neoplastic Syndromes, Hereditary; Hereditary Cancer Syndrome. Identifiers: Orphanet 140162, MedGen C0027672, MeSH D009386, MONDO:0015356.

Submissions (4):

Ambry Genetics
Classification: Uncertain significance for Hereditary cancer-predisposing syndrome. Last evaluated: 2025-03-04. Review status: criteria provided, single submitter. Criteria: Ambry Variant Classification Scheme 2023. Collection method: clinical testing. Allele origin: germline.
Comment: The c.431-5G>T intronic variant results from a G to T substitution 5 nucleotides upstream from coding exon 5 in the BMPR1A gene. This nucleotide position is not well conserved in available vertebrate species. In silico splice site analysis predicts that this alteration will not have any significant effect on splicing. Based on the available evidence, the clinical significance of this variant remains unclear.

Myriad Genetics, Inc.
Classification: Likely benign for Juvenile polyposis syndrome. Last evaluated: 2024-08-01. Review status: criteria provided, single submitter. Criteria: Myriad Autosomal Dominant, Autosomal Recessive and X-Linked Classification Criteria (2023). Collection method: clinical testing. Allele origin: unknown.
Comment: This variant is considered likely benign. This variant is intronic and is not expected to impact mRNA splicing.

Labcorp Genetics (formerly Invitae), Labcorp
Classification: Likely benign for Juvenile polyposis syndrome. Last evaluated: 2022-01-17. Review status: criteria provided, single submitter. Criteria: Invitae Variant Classification Sherloc (09022015). Collection method: clinical testing. Allele origin: germline.

GeneDx
Classification: Likely benign. Last evaluated: 2016-03-22. Review status: criteria provided, single submitter. Criteria: GeneDx Variant Classification (06012015). Collection method: clinical testing. Allele origin: germline. Affected: yes.
Comment: This variant is considered likely benign or benign based on one or more of the following criteria: it is a conservative change, it occurs at a poorly conserved position in the protein, it is predicted to be benign by multiple in silico algorithms, and/or has population frequency not consistent with disease.

NM_004329.3(BMPR1A):c.431-5G>T

Gene: BMPR1A (bone morphogenetic protein receptor type 1A; plus strand). Cytogenetic location: 10q23.2.
Variant type: single nucleotide variant.
Coding change: c.431-5G>T on transcript NM_004329.3 (MANE Select); 5 bases into the intron before coding-DNA position 431, G replaced by T.
Molecular consequence: intron variant.
Genome position (GRCh38, 1-based): chr10:86,900,022, G>T. VCF-style: chr10-86900022-G-T. GRCh37 (hg19) VCF-style: chr10-88659779-G-T.
Identifiers: ClinVar variation 383563 (VCV000383563.10), dbSNP rs587782334, ClinGen allele CA16605707.